The following is an entry in ClinVar:

ClinVar aggregate classification (germline): Benign. Review status: criteria provided, multiple submitters, no conflicts (2 of 4 stars). 3 submissions from 2 submitters: Benign (3). Last evaluated 2018-01-12.

Conditions:
Alpha-N-acetylgalactosaminidase deficiency type 2. Also called: ALPHA-N-ACETYLGALACTOSAMINIDASE DEFICIENCY, TYPE II; NAGA DEFICIENCY, TYPE II; SCHINDLER DISEASE, TYPE II. Identifiers: Orphanet 3137, Orphanet 79280, MedGen C1836522, MONDO:0012222, OMIM 609242.
Alpha-N-acetylgalactosaminidase deficiency type 1. Also called: SCHINDLER DISEASE, TYPE I; ALPHA-N-ACETYLGALACTOSAMINIDASE DEFICIENCY, TYPE I; NAGA DEFICIENCY, TYPE I; NEUROAXONAL DYSTROPHY, SCHINDLER TYPE. Identifiers: Orphanet 3137, Orphanet 79279, Orphanet 79281, MedGen C1836544, MONDO:0012221, OMIM 609241.

Allele frequency attached by ClinVar (database versions not stated): gnomAD 0.62119 and 0.62385; TOPMed 0.62710; 1000 Genomes Project 30x 0.64257; 1000 Genomes Project 0.64756; gnomAD exomes 1.00000.
gnomAD v4.1: 94,910 of 151,864 alleles (62%); highest among the groups gnomAD compares: East Asian, 85%; 30,224 homozygotes.

Submissions (3):

Illumina Laboratory Services, Illumina
Classification: Benign for Alpha-N-acetylgalactosaminidase deficiency type 1. Last evaluated: 2018-01-12. Review status: criteria provided, single submitter. Criteria: ICSL Variant Classification Criteria 13 December 2019. Collection method: clinical testing. Allele origin: germline.
Comment: This variant was observed in the ICSL laboratory as part of a predisposition screen in an ostensibly healthy population. It had not been previously curated by ICSL or reported in the Human Gene Mutation Database (HGMD: prior to June 1st, 2018), and was therefore a candidate for classification through an automated scoring system. Utilizing variant allele frequency, disease prevalence and penetrance estimates, and inheritance mode, an automated score was calculated to assess if this variant is too frequent to cause the disease. Based on the score and internal cut-off values, a variant classified as benign is not then subjected to further curation. The score for this variant resulted in a classification of benign for this disease.

Illumina Laboratory Services, Illumina
Classification: Benign for Alpha-N-acetylgalactosaminidase deficiency type 2. Last evaluated: 2018-01-12. Review status: criteria provided, single submitter. Criteria: ICSL Variant Classification Criteria 13 December 2019. Collection method: clinical testing. Allele origin: germline.
Comment: the same text as in the submission from Illumina Laboratory Services, Illumina above.

Breakthrough Genomics
Classification: Benign. Review status: criteria provided, single submitter. Criteria: ACMG Guidelines, 2015. Collection method: not provided. Allele origin: germline. Inheritance: Autosomal recessive inheritance. Affected: yes.

NM_000262.3(NAGA):c.*1929C>T

Genes: NAGA (alpha-N-acetylgalactosaminidase; minus strand), WBP2NL (WBP2 N-terminal like; plus strand). Cytogenetic location: 22q13.2.
Variant type: single nucleotide variant.
Coding change: c.*1929C>T on transcript NM_000262.3 (MANE Select); 1929 bases downstream of the stop codon, C replaced by T.
Molecular consequence: 3 prime UTR variant.
Genome position (GRCh38, 1-based): chr22:42,058,350, G>A on the plus strand (C>T on the coding strand, the complement: NAGA is on the minus strand). VCF-style: chr22-42058350-G-A. GRCh37 (hg19) VCF-style: chr22-42454354-G-A.
Other names: c.*1929C>T (NM_001362848.1, NM_001362850.1).
Identifiers: ClinVar variation 341885 (VCV000341885.6), dbSNP rs5758566, ClinGen allele CA10653602.